The following is an entry in ClinVar:

NM_000080.4(CHRNE):c.1009G>A (p.Ala337Thr)

Gene: CHRNE (cholinergic receptor nicotinic epsilon subunit; minus strand). Cytogenetic location: 17p13.2.
Variant type: single nucleotide variant.
Coding change: c.1009G>A on transcript NM_000080.4 (MANE Select); coding-DNA position 1009, G replaced by A.
Protein change: p.Ala337Thr; replaces alanine 337 with threonine.
Molecular consequence: missense variant.
Genome position (GRCh38, 1-based): chr17:4,899,491, C>T on the plus strand (G>A on the coding strand, the complement: CHRNE is on the minus strand). VCF-style: chr17-4899491-C-T. GRCh37 (hg19) VCF-style: chr17-4802786-C-T.
Other names: short protein forms A337T.
Identifiers: ClinVar variation 1958209 (VCV001958209.2), dbSNP rs1567636930, ClinGen allele CA397300839.
Genomic context (GRCh38, chr17:4,899,491, plus strand): 5'-ACCCCGACCCGGGCTGCACCGCCCCCTCCGCGCTTACGTGGCGCAGCCGCGGGGACATGG[C>T]GTGGGTGGTGGGCGTCCGCTGGGACACGTTGAGCACGATGACGCAATTCATGACAATGAG-3'
Protein context (NP_000071.1, residues 327-347): NVSQRTPTTH[Ala337Thr]MSPRLRHVLL

ClinVar aggregate classification (germline): Uncertain significance (1 of 4 stars; one submission).

Conditions:
Congenital myasthenic syndrome 4A. Also called: Myasthenic syndrome, congenital, 4a, slow-channel; CONGENITAL MYASTHENIC SYNDROME TYPE Ia1; MYASTHENIC SYNDROME, CONGENITAL, 4A, SLOW-CHANNEL, AUTOSOMAL RECESSIVE. Identifiers: Orphanet 590, MedGen C4225413, MONDO:0011600, OMIM 605809.

gnomAD v4.1: 7 of 1,600,836 alleles (0.00044%); highest among the groups gnomAD compares: Admixed American, 0.0034%; no homozygotes.

Submission:

Labcorp Genetics (formerly Invitae), Labcorp
Classification: Uncertain significance for Congenital myasthenic syndrome 4A. Last evaluated: 2022-01-11. Review status: criteria provided, single submitter. Criteria: Invitae Variant Classification Sherloc (09022015). Collection method: clinical testing. Allele origin: germline.
Comment: This sequence change replaces alanine, which is neutral and non-polar, with threonine, which is neutral and polar, at codon 337 of the CHRNE protein (p.Ala337Thr). The frequency data for this variant in the population databases is considered unreliable, as metrics indicate poor data quality at this position in the gnomAD database. This variant has not been reported in the literature in individuals affected with CHRNE-related conditions. Advanced modeling of protein sequence and biophysical properties (such as structural, functional, and spatial information, amino acid conservation, physicochemical variation, residue mobility, and thermodynamic stability) performed at Invitae indicates that this missense variant is not expected to disrupt CHRNE protein function. In summary, the available evidence is currently insufficient to determine the role of this variant in disease. Therefore, it has been classified as a Variant of Uncertain Significance.